The following is an entry in ClinVar:

NM_194248.3(OTOF):c.523del (p.Val175fs)

Genes: OTOF (otoferlin; minus strand), LOC129933336 (ATAC-STARR-seq lymphoblastoid silent region 11274; plus strand). Cytogenetic location: 2p23.3.
Variant type: Deletion.
Coding change: c.523del on transcript NM_194248.3 (MANE Select); coding-DNA position 523, one base deleted (G; older notation c.523delG).
Protein change: p.Val175fs; shifts the reading frame from valine 175.
Molecular consequence: frameshift variant.
Genome position (GRCh38, 1-based): chr2:26,503,832, C deleted on the plus strand (G on the coding strand, the reverse complement: OTOF is on the minus strand). VCF-style (leftmost placement, unchanged base first): chr2-26503831-AC-A. GRCh37 (hg19) VCF-style: chr2-26726699-AC-A.
Other names: c.523del, p.Val175fs (NM_001287489.2); short protein forms V175fs.
Identifiers: ClinVar variation 5006272 (VCV005006272.2).

ClinVar aggregate classification (germline): Likely pathogenic (1 of 4 stars; one submission).

Conditions:
Autosomal recessive nonsyndromic hearing loss 9. Also called: Deafness, autosomal recessive 9; OTOF-Related Hearing Loss; AUDITORY NEUROPATHY, AUTOSOMAL RECESSIVE, 1, TEMPERATURE-SENSITIVE; NEUROSENSORY NONSYNDROMIC RECESSIVE DEAFNESS 9. Identifiers: Orphanet 90636, MedGen C1832828, MONDO:0010986, OMIM 601071.

Submission:

Juno Genomics, Hangzhou Juno Genomics, Inc
Classification: Likely pathogenic for Autosomal recessive nonsyndromic hearing loss 9. Review status: criteria provided, single submitter. Criteria: ACMG Guidelines, 2015. Collection method: clinical testing. Allele origin: germline.
Comment: Null variant in a gene where loss of function (LOF) is a known mechanism of disease.;Absent from controls (or at extremely low frequency if recessive) in Genome Aggregation Database.